The following is an entry in ClinVar:

NM_001384140.1(PCDH15):c.3040_3047dup (p.Met1016delinsIleLeuTer)

Gene: PCDH15 (protocadherin related 15; minus strand). Cytogenetic location: 10q21.1.
Variant type: Duplication.
Coding change: c.3040_3047dup on transcript NM_001384140.1 (MANE Select); coding-DNA positions 3040 to 3047, 8 bases duplicated (CCTGTGAT; older notation c.3040_3047dupCCTGTGAT).
Protein change: p.Met1016delinsIleLeuTer.
Molecular consequence: nonsense. On other transcripts: frameshift variant (1).
Genome position (GRCh38, 1-based): chr10:53,959,807-53,959,814, ATCACAGG duplicated on the plus strand (CCTGTGAT on the coding strand, the reverse complement: PCDH15 is on the minus strand). VCF-style (leftmost placement, unchanged base first): chr10-53959806-C-CATCACAGG. GRCh37 (hg19) VCF-style: chr10-55719566-C-CATCACAGG.
Other names: c.3055_3062dup, p.Met1021delinsIleLeuTer (NM_001142763.2, NM_001142771.2); c.3040_3047dup, p.Met1016delinsIleLeuTer (NM_001142764.2, NM_001142766.2, NM_001142770.3 and 4 more transcripts); c.2827_2834dup, p.Met945delinsIleLeuTer (NM_001142765.2); c.2929_2936dup, p.Met979delinsIleLeuTer (NM_001142767.2); c.2974_2981dup, p.Met994delinsIleLeuTer (NM_001142768.2, NM_001142773.2, NM_001354404.2); c.3076_3083dup, p.Met1028Ilefs (NM_001142769.4); c.3061_3068dup, p.Met1023delinsIleLeuTer (NM_001354411.2); c.3040_3047dupCCTGTGAT (NM_033056.3).
Identifiers: ClinVar variation 501868 (VCV000501868.14), dbSNP rs1554882652, ClinGen allele CA658822467.
Genomic context (GRCh38, chr10:53,959,806, plus strand): 5'-TGTGAAGCGTGGGATCTCACCAGGATGTAAGACAAGAATCTTCACTGTGGCACTGCTGGA[C>CATCACAGG]ATCACAGGCTCCCCATCATCAAAAGCAACCACCACCAACTTAAAAAGCAATAAAAATTCA-3'

ClinVar aggregate classification (germline): Pathogenic/Likely pathogenic. Review status: criteria provided, multiple submitters, no conflicts (2 of 4 stars). 4 submissions from 4 submitters: Pathogenic (2); Likely pathogenic (2). Last evaluated 2025-08-31.

Conditions:
Autosomal recessive nonsyndromic hearing loss 23. Identifiers: Orphanet 90636, MedGen C1836027, MONDO:0012293, OMIM 609533.
Usher syndrome type 1F (USH1F). Also called: USHER SYNDROME, TYPE IF. Identifiers: Orphanet 231169, Orphanet 886, MedGen C1865885, MONDO:0011186, OMIM 602083.

Allele frequency attached by ClinVar (database versions not stated): gnomAD exomes below 0.00001; TOPMed below 0.00001.

Submissions (4):

Natera, Inc.
Classification: Likely pathogenic for Usher syndrome type 1F. Last evaluated: 2025-08-31. Review status: criteria provided, single submitter. Criteria: Natera Variant Classification Schema (03/2026). Collection method: clinical testing. Allele origin: germline.
Comment: The c.3040_3047dupCCTGTGAT variant in PCDH15 is a frameshift variant predicted to shift the reading frame beginning at codon 1016 and leads to a stop codon 3 codons downstream. This variant is expected to result in nonsense mediated decay, truncation, or a dysfunctional protein product. This variant is rare in the general population with a frequency below the threshold expected for the associated phenotype(s). Given the available evidence, this variant is classified as Likely Pathogenic.

Labcorp Genetics (formerly Invitae), Labcorp
Classification: Pathogenic. Last evaluated: 2024-10-10. Review status: criteria provided, single submitter. Criteria: Invitae Variant Classification Sherloc (09022015). Collection method: clinical testing. Allele origin: germline.
Comment: This sequence change creates a premature translational stop signal (p.Met1016Ilefs*3) in the PCDH15 gene. It is expected to result in an absent or disrupted protein product. Loss-of-function variants in PCDH15 are known to be pathogenic (PMID: 11398101, 11487575, 14570705). This variant is not present in population databases (gnomAD no frequency). This variant has not been reported in the literature in individuals affected with PCDH15-related conditions. ClinVar contains an entry for this variant (Variation ID: 501868). For these reasons, this variant has been classified as Pathogenic.

Baylor Genetics
Classification: Likely pathogenic for Autosomal recessive nonsyndromic hearing loss 23. Last evaluated: 2023-10-29. Review status: criteria provided, single submitter. Criteria: ACMG Guidelines, 2015. Collection method: clinical testing. Allele origin: unknown.

Eurofins Ntd Llc (ga)
Classification: Pathogenic. Last evaluated: 2017-05-17. Review status: criteria provided, single submitter. Criteria: EGL Classification Definitions 2015. Collection method: clinical testing. Allele origin: germline. Observed: 1 variant allele, 1 heterozygote.

Literature cited by the submitters: PubMed 11398101 (cited by Labcorp Genetics (formerly Invitae), Labcorp); PubMed 11487575 (cited by Labcorp Genetics (formerly Invitae), Labcorp); PubMed 14570705 (cited by Labcorp Genetics (formerly Invitae), Labcorp).